The following is an entry in ClinVar:

NM_007294.4(BRCA1):c.5120T>G (p.Ile1707Ser)

Gene: BRCA1 (BRCA1 DNA repair associated; minus strand). Cytogenetic location: 17q21.31.
Variant type: single nucleotide variant.
Coding change: c.5120T>G on transcript NM_007294.4 (MANE Select); coding-DNA position 5120, T replaced by G.
Protein change: p.Ile1707Ser; replaces isoleucine 1707 with serine.
Molecular consequence: missense variant. On other transcripts: non-coding transcript variant (1).
Genome position (GRCh38, 1-based): chr17:43,063,906, A>C on the plus strand (T>G on the coding strand, the complement: BRCA1 is on the minus strand). VCF-style: chr17-43063906-A-C. GRCh37 (hg19) VCF-style: chr17-41215923-A-C.
Other names: c.4907T>G, p.Ile1636Ser (NM_001407571.1, NM_001407907.1, NM_001407908.1 and 12 more transcripts); c.5186T>G, p.Ile1729Ser (NM_001407581.1, NM_001407582.1); c.5183T>G, p.Ile1728Ser (NM_001407583.1, NM_001407585.1, NM_001407587.1 and 1 more transcripts); c.5180T>G, p.Ile1727Ser (NM_001407590.1, NM_001407591.1); c.5120T>G, p.Ile1707Ser (NM_001407593.1, NM_001407594.1, NM_001407596.1 and 7 more transcripts); c.5117T>G, p.Ile1706Ser (NM_001407610.1, NM_001407611.1, NM_001407612.1 and 17 more transcripts); c.5114T>G, p.Ile1705Ser (NM_001407631.1, NM_001407632.1, NM_001407633.1 and 14 more transcripts); c.5042T>G, p.Ile1681Ser (NM_001407654.1, NM_001407655.1, NM_001407653.1); and 71 more; short protein forms I1707S, I603S, I1728S, I1660S, I1410S, I1411S, I1578S, I1596S.
Identifiers: ClinVar variation 422989 (VCV000422989.16), dbSNP rs1064796143, ClinGen allele CA10591294.

ClinVar aggregate classification (germline): Uncertain significance. Review status: criteria provided, multiple submitters, no conflicts (2 of 4 stars). 3 submissions from 3 submitters: Uncertain significance (3). Last evaluated 2023-10-24.

Conditions:
Hereditary breast ovarian cancer syndrome. Also called: Hereditary breast and ovarian cancer syndrome (HBOC); BRCA1- and BRCA2-Associated Hereditary Breast and Ovarian Cancer; Hereditary breast and/or ovarian cancer syndrome; Hereditary breast and ovarian cancer syndrome; Hereditary breast and ovarian cancer; Breast and ovarian cancer. Identifiers: Orphanet 145, MedGen C0677776, MeSH D061325, MONDO:0003582. Disease mechanism: loss of function.
Breast-ovarian cancer, familial, susceptibility to, 1 (BROVCA1). Also called: BRCA1 Hereditary Breast and Ovarian Cancer; OVARIAN CANCER, SUSCEPTIBILITY TO. Identifiers: Orphanet 145, MedGen C2676676, MONDO:0011450, OMIM 604370. Disease mechanism: loss of function.

Submissions (4):

Baylor Genetics
Classification: Uncertain significance for Breast-ovarian cancer, familial, susceptibility to, 1. Last evaluated: 2023-10-24. Review status: criteria provided, single submitter. Criteria: ACMG Guidelines, 2015. Collection method: clinical testing. Allele origin: unknown.

Labcorp Genetics (formerly Invitae), Labcorp
Classification: Uncertain significance for Hereditary breast ovarian cancer syndrome. Last evaluated: 2019-04-03. Review status: criteria provided, single submitter. Criteria: Invitae Variant Classification Sherloc (09022015). Collection method: clinical testing. Allele origin: germline.
Comment: This sequence change replaces isoleucine with serine at codon 1707 of the BRCA1 protein (p.Ile1707Ser). The isoleucine residue is highly conserved and there is a large physicochemical difference between isoleucine and serine. In summary, the available evidence is currently insufficient to determine the role of this variant in disease. Therefore, it has been classified as a Variant of Uncertain Significance. Algorithms developed to predict the effect of sequence changes on RNA splicing suggest that this variant may create or strengthen a splice site, but this prediction has not been confirmed by published transcriptional studies. This variant has not been reported in the literature in individuals with BRCA1-related conditions. ClinVar contains an entry for this variant (Variation ID: 422989). This variant is not present in population databases (ExAC no frequency). Algorithms developed to predict the effect of missense changes on protein structure and function (SIFT, PolyPhen-2, Align-GVGD) all suggest that this variant is likely to be disruptive, but these predictions have not been confirmed by published functional studies and their clinical significance is uncertain.

GeneDx
Classification: Uncertain significance. Last evaluated: 2017-01-03. Review status: criteria provided, single submitter. Criteria: GeneDx Variant Classification (06012015). Collection method: clinical testing. Allele origin: germline. Affected: yes.
Comment: This variant is denoted BRCA1 c.5120T>G at the cDNA level, p.Ile1707Ser (I1707S) at the protein level, and results in the change of an Isoleucine to a Serine (ATT>AGT). Using alternate nomenclature, this variant would be defined as BRCA1 5239T>G. This variant has not, to our knowledge, been published in the literature as a pathogenic or benign germline variant. BRCA1 Ile1707Ser was not observed in approximately 6,500 individuals of European and African American ancestry in the NHLBI Exome Sequencing Project, suggesting it is not a common benign variant in these populations. Since Isoleucine and Serine differ in polarity, charge, size or other properties, this is considered a non-conservative amino acid substitution. BRCA1 Ile1707Ser occurs at a position that is conserved in mammals and is located in the BRCT1 domain as well as a region known to interact with multiple proteins (Paul 2014, UniProt). In silico analyses predict that this variant is probably damaging to protein structure and function. Based on currently available evidence, it is unclear whether BRCA1 Ile1707Ser is a pathogenic or benign variant. We consider it to be a variant of uncertain significance.

Brotman Baty Institute, University of Washington
No classification provided (evidence only). Condition: Breast-ovarian cancer, familial 1. Review status: no classification provided. Collection method: in vitro. Allele origin: not applicable. Functional consequence: functionally_abnormal. Not counted in ClinVar's aggregate classification.
ClinVar note: "not provided" was previously submitted as the classification for the variant. However, the classification appeared to be based only on an observation of functional data so it was converted to no classification on 2025-07-30.